The following is an entry in ClinVar:

ClinVar aggregate classification (germline): Uncertain significance (1 of 4 stars; one submission).

gnomAD v4.1: 63 of 1,600,048 alleles (0.0039%); highest among the groups gnomAD compares: Non-Finnish European, 0.0053%; no homozygotes.

Submission:

Labcorp Genetics (formerly Invitae), Labcorp
Classification: Uncertain significance. Last evaluated: 2026-01-24. Review status: criteria provided, single submitter. Criteria: Invitae Variant Classification Sherloc (09022015). Collection method: clinical testing. Allele origin: germline.
Comment: This sequence change replaces glycine, which is neutral and non-polar, with aspartic acid, which is acidic and polar, at codon 431 of the SPPL2A protein (p.Gly431Asp). This variant is present in population databases (rs746040519, gnomAD 0.005%). This variant has not been reported in the literature in individuals affected with SPPL2A-related conditions. An algorithm developed to predict the effect of missense changes on protein structure and function (PolyPhen-2) suggests that this variant is likely to be tolerated. In summary, the available evidence is currently insufficient to determine the role of this variant in disease. Therefore, it has been classified as a Variant of Uncertain Significance.

NM_032802.4(SPPL2A):c.1292G>A (p.Gly431Asp)

Gene: SPPL2A (signal peptide peptidase like 2A; minus strand). Cytogenetic location: 15q21.2.
Variant type: single nucleotide variant.
Coding change: c.1292G>A on transcript NM_032802.4 (MANE Select); coding-DNA position 1292, G replaced by A.
Protein change: p.Gly431Asp; replaces glycine 431 with aspartic acid.
Molecular consequence: missense variant.
Genome position (GRCh38, 1-based): chr15:50,722,159, C>T on the plus strand (G>A on the coding strand, the complement: SPPL2A is on the minus strand). VCF-style: chr15-50722159-C-T. GRCh37 (hg19) VCF-style: chr15-51014356-C-T.
Other names: c.1346G>A, p.Gly449Asp (NM_001438111.1); c.1292G>A, p.Gly431Asp (NM_001438112.1); short protein forms G431D, G449D.
Identifiers: ClinVar variation 4748211 (VCV004748211.1).
Genomic context (GRCh38, chr15:50,722,159, plus strand): 5'-AATACAAAGAAAAACAAAAATTTACCAACTGTAGACGAAACATAGTATATGTAAGAAGAA[C>T]CAGTCTGAACATCAAATCTTCTACAGTATGCAATCAACAGGCCTTAAAAACAAAACAAAA-3'
Protein context (NP_116191.2, residues 421-441): AYCRRFDVQT[Gly431Asp]SSYIYYVSST